The following is an entry in ClinVar:

ClinVar aggregate classification (germline): Uncertain significance (1 of 4 stars; one submission).

Submission:

Labcorp Genetics (formerly Invitae), Labcorp
Classification: Uncertain significance. Last evaluated: 2022-11-08. Review status: criteria provided, single submitter. Criteria: Invitae Variant Classification Sherloc (09022015). Collection method: clinical testing. Allele origin: germline.
Comment: In summary, the available evidence is currently insufficient to determine the role of this variant in disease. Therefore, it has been classified as a Variant of Uncertain Significance. Experimental studies and prediction algorithms are not available or were not evaluated, and the functional significance of this variant is currently unknown. This variant has not been reported in the literature in individuals affected with ANK3-related conditions. This variant is present in population databases (rs780730437, gnomAD 0.01%). This variant, c.6144_6149del, results in the deletion of 2 amino acid(s) of the ANK3 protein (p.Asn2048_Leu2049del), but otherwise preserves the integrity of the reading frame.

NM_020987.5(ANK3):c.6144_6149del (p.Asn2048_Leu2049del)

Gene: ANK3 (ankyrin 3; minus strand). Cytogenetic location: 10q21.2.
Variant type: Deletion.
Coding change: c.6144_6149del on transcript NM_020987.5 (MANE Select); coding-DNA positions 6144 to 6149, 6 bases deleted (CTTAAA; older notation c.6144_6149delCTTAAA).
Protein change: p.Asn2048_Leu2049del.
Molecular consequence: inframe deletion. On other transcripts: intron variant (4).
Genome position (GRCh38, 1-based): chr10:60,074,732-60,074,737, TTTAAG deleted on the plus strand (CTTAAA on the coding strand, the reverse complement: ANK3 is on the minus strand); deleting any 6 consecutive bases within chr10:60,074,732-60,074,740 gives the same sequence; the c. name uses the placement nearest the transcript's 3' end. VCF-style (leftmost placement, unchanged base first): chr10-60074731-TTTTAAG-T. GRCh37 (hg19) VCF-style: chr10-61834489-TTTTAAG-T.
Other names: c.4387+5800_4387+5805del (NM_001204403.2); c.4408+5800_4408+5805del (NM_001204404.2); c.4405+5800_4405+5805del (NM_001320874.2); c.1807+5800_1807+5805del (NM_001149.4).
Identifiers: ClinVar variation 2192824 (VCV002192824.4), dbSNP rs780730437, ClinGen allele CA5511912.